The following is an entry in ClinVar:

ClinVar aggregate classification (germline): Pathogenic/Likely pathogenic. Review status: criteria provided, multiple submitters, no conflicts (2 of 4 stars). 2 submissions from 2 submitters: Pathogenic (1); Likely pathogenic (1). Last evaluated 2022-12-23.

Conditions:
Charcot-Marie-Tooth disease axonal type 2O. Also called: CHARCOT-MARIE-TOOTH NEUROPATHY, AXONAL, TYPE 2O; CHARCOT-MARIE-TOOTH DISEASE, AXONAL, AUTOSOMAL DOMINANT, TYPE 2O; Charcot-Marie-Tooth Neuropathy Type 2O; Charcot-Marie-Tooth disease, axonal, type 20. Identifiers: Orphanet 284232, MedGen C3280220, MONDO:0013644, OMIM 614228.
Autosomal dominant childhood-onset proximal spinal muscular atrophy without contractures. Also called: Spinal muscular atrophy, lower extremity-predominant 1, AD; KUGELBERG-WELANDER SYNDROME, AUTOSOMAL DOMINANT; SPINAL MUSCULAR ATROPHY, JUVENILE, PROXIMAL, AUTOSOMAL DOMINANT; SPINAL MUSCULAR ATROPHY, CHILDHOOD, PROXIMAL, AUTOSOMAL DOMINANT. Identifiers: Orphanet 209341, Orphanet 363447, MedGen C5780022, MONDO:0008026, OMIM 158600.
Cortical dysplasia, complex, with other brain malformations 13. Also called: Intellectual disability, autosomal dominant 13. Identifiers: MedGen C3281202, MONDO:0013805, OMIM 614563.

Submissions (2):

New York Genome Center
Classification: Likely pathogenic for Charcot-Marie-Tooth disease axonal type 2O; Cortical dysplasia, complex, with other brain malformations 13; Autosomal dominant childhood-onset proximal spinal muscular atrophy without contractures. Last evaluated: 2022-12-23. Review status: criteria provided, single submitter. Criteria: NYGC Assertion Criteria 2020. Collection method: clinical testing. Allele origin: de novo. Affected: yes. Observed: 1 heterozygote. Study: PrenatalSEQ.
Comment: The de novo heterozygous c.1739A>C p.(Glu580Ala) missense variant identified in the DYNC1H1 gene has not been reported in affected individuals in the literature. This variant has a single entry in the ClinVar database as Pathogenic [Variation ID: 1075692]. The variant is absent from population databases (gnomAD v2.1.1 and v3.1.2, TOPMed Freeze 8), suggesting it is not a common benign variant in the populations represented in those databases. The c.1739A>C variant is located in exon 8 of this 78-exon gene and is predicted to replace a highly conserved glutamic acid residue with alanine at position 580 within the STEM domain [dimerization sub-domain] of the encoded protein [PMID: 32656949]. In silico predictions are in favor of the variant’s damaging effect [REVEL = 0.651]; however, functional studies to support or refute these predictions have not been reported. A different missense variant affecting the same Glu580 residue [c.1738G>A p.(Glu580Lys)] has been reported in two fetuses with micro-lissencephaly and arthrogryposis [PMID:26395554] and has been deposited in ClinVar database as Pathogenic/Likely Pathogenic [Variation ID: 208862]. Based on the available evidence, the heterozygous c.1739A>C p.(Glu580Ala) missense variant identified in the DYNC1H1 gene is reported as Likely Pathogenic.

Labcorp Genetics (formerly Invitae), Labcorp
Classification: Pathogenic for Charcot-Marie-Tooth disease axonal type 2O. Last evaluated: 2022-02-10. Review status: criteria provided, single submitter. Criteria: Invitae Variant Classification Sherloc (09022015). Collection method: clinical testing. Allele origin: germline.
Comment: ClinVar contains an entry for this variant (Variation ID: 1075692). This sequence change replaces glutamic acid, which is acidic and polar, with alanine, which is neutral and non-polar, at codon 580 of the DYNC1H1 protein (p.Glu580Ala). This variant is not present in population databases (gnomAD no frequency). This missense change has been observed in individual(s) with spinal muscular atrophy (Invitae). In at least one individual the variant was observed to be de novo. Advanced modeling of protein sequence and biophysical properties (such as structural, functional, and spatial information, amino acid conservation, physicochemical variation, residue mobility, and thermodynamic stability) performed at Invitae indicates that this missense variant is expected to disrupt DYNC1H1 protein function. For these reasons, this variant has been classified as Pathogenic.

NM_001376.5(DYNC1H1):c.1739A>C (p.Glu580Ala)

Gene: DYNC1H1 (dynein cytoplasmic 1 heavy chain 1; plus strand). Cytogenetic location: 14q32.31.
Variant type: single nucleotide variant.
Coding change: c.1739A>C on transcript NM_001376.5 (MANE Select); coding-DNA position 1739, A replaced by C.
Protein change: p.Glu580Ala; replaces glutamic acid 580 with alanine.
Molecular consequence: missense variant.
Genome position (GRCh38, 1-based): chr14:101,985,964, A>C. VCF-style: chr14-101985964-A-C. GRCh37 (hg19) VCF-style: chr14-102452301-A-C.
Other names: short protein forms E580A.
Identifiers: ClinVar variation 1075692 (VCV001075692.10), dbSNP rs2141274671, ClinGen allele CA391019174.